The following is an entry in ClinVar:

NM_007348.4(ATF6):c.1606A>G (p.Arg536Gly)

Gene: ATF6 (activating transcription factor 6; plus strand). Cytogenetic location: 1q23.3.
Variant type: single nucleotide variant.
Coding change: c.1606A>G on transcript NM_007348.4 (MANE Select); coding-DNA position 1606, A replaced by G.
Protein change: p.Arg536Gly; replaces arginine 536 with glycine.
Molecular consequence: missense variant.
Genome position (GRCh38, 1-based): chr1:161,863,199, A>G. VCF-style: chr1-161863199-A-G. GRCh37 (hg19) VCF-style: chr1-161832989-A-G.
Other names: short protein forms R536G.
Identifiers: ClinVar variation 1968387 (VCV001968387.6), dbSNP rs760036474, ClinGen allele CA1214550.

ClinVar aggregate classification (germline): Uncertain significance. Review status: criteria provided, multiple submitters, no conflicts (2 of 4 stars). 2 submissions from 2 submitters: Uncertain significance (2). Last evaluated 2022-11-08.

Allele frequency attached by ClinVar (database versions not stated): gnomAD exomes below 0.00001; ExAC 0.00001; gnomAD 0.00001; TOPMed 0.00001.
gnomAD v4.1: 6 of 1,572,458 alleles (0.00038%); highest among the groups gnomAD compares: Admixed American, 0.0086%; no homozygotes.

Submissions (2):

Labcorp Genetics (formerly Invitae), Labcorp
Classification: Uncertain significance. Last evaluated: 2022-11-08. Review status: criteria provided, single submitter. Criteria: Invitae Variant Classification Sherloc (09022015). Collection method: clinical testing. Allele origin: germline.
Comment: In summary, the available evidence is currently insufficient to determine the role of this variant in disease. Therefore, it has been classified as a Variant of Uncertain Significance. Algorithms developed to predict the effect of missense changes on protein structure and function output the following: SIFT: "Tolerated"; PolyPhen-2: "Benign"; Align-GVGD: "Class C0". The glycine amino acid residue is found in multiple mammalian species, which suggests that this missense change does not adversely affect protein function. Algorithms developed to predict the effect of sequence changes on RNA splicing suggest that this variant may disrupt the consensus splice site. This sequence change replaces arginine, which is basic and polar, with glycine, which is neutral and non-polar, at codon 536 of the ATF6 protein (p.Arg536Gly). This variant is present in population databases (rs760036474, gnomAD 0.02%). This variant has not been reported in the literature in individuals affected with ATF6-related conditions.

Blueprint Genetics
Classification: Uncertain significance. Last evaluated: 2022-09-15. Review status: criteria provided, single submitter. Criteria: ACMG Guidelines, 2015. Collection method: clinical testing. Allele origin: germline.